The following is an entry in ClinVar:

ClinVar aggregate classification (germline): Uncertain significance (1 of 4 stars; one submission).

Conditions:
Combined oxidative phosphorylation defect type 17. Also called: Combined oxidative phosphorylation deficiency 17. Identifiers: Orphanet 369913, MedGen C3809526, MONDO:0014190, OMIM 615440.

Allele frequency attached by ClinVar (database versions not stated): gnomAD exomes below 0.00001; TOPMed 0.00001.
gnomAD v4.1: 2 of 1,614,040 alleles (0.00012%); highest among the groups gnomAD compares: Non-Finnish European, 0.00017%; no homozygotes.

Submission:

Labcorp Genetics (formerly Invitae), Labcorp
Classification: Uncertain significance for Combined oxidative phosphorylation defect type 17. Last evaluated: 2022-03-08. Review status: criteria provided, single submitter. Criteria: Invitae Variant Classification Sherloc (09022015). Collection method: clinical testing. Allele origin: germline.
Comment: In summary, the available evidence is currently insufficient to determine the role of this variant in disease. Therefore, it has been classified as a Variant of Uncertain Significance. Algorithms developed to predict the effect of missense changes on protein structure and function are either unavailable or do not agree on the potential impact of this missense change (SIFT: "Tolerated"; PolyPhen-2: "Possibly Damaging"; Align-GVGD: "Class C0"). ClinVar contains an entry for this variant (Variation ID: 474563). This variant has not been reported in the literature in individuals affected with ELAC2-related conditions. This variant is not present in population databases (gnomAD no frequency). This sequence change replaces valine, which is neutral and non-polar, with alanine, which is neutral and non-polar, at codon 662 of the ELAC2 protein (p.Val662Ala).

NM_018127.7(ELAC2):c.1985T>C (p.Val662Ala)

Gene: ELAC2 (elaC ribonuclease Z 2; minus strand). Cytogenetic location: 17p12.
Variant type: single nucleotide variant.
Coding change: c.1985T>C on transcript NM_018127.7 (MANE Select); coding-DNA position 1985, T replaced by C.
Protein change: p.Val662Ala; replaces valine 662 with alanine.
Molecular consequence: missense variant.
Genome position (GRCh38, 1-based): chr17:12,994,808, A>G on the plus strand (T>C on the coding strand, the complement: ELAC2 is on the minus strand). VCF-style: chr17-12994808-A-G. GRCh37 (hg19) VCF-style: chr17-12898125-A-G.
Other names: c.1865T>C, p.Val622Ala (NM_001165962.2); c.1982T>C, p.Val661Ala (NM_173717.2); short protein forms V662A, V622A, V661A.
Identifiers: ClinVar variation 474563 (VCV000474563.5), dbSNP rs1555572124, ClinGen allele CA398223080.